The following is an entry in ClinVar:

ClinVar aggregate classification (germline): Pathogenic (1 of 4 stars; one submission).

Conditions:
Cohen syndrome (COH1). Also called: PEPPER SYNDROME; Cutis verticis gyrata, retinitis pigmentosa, and sensorineural deafness. Identifiers: Orphanet 193, MedGen C0265223, MONDO:0008999, OMIM 216550.

Submission:

Labcorp Genetics (formerly Invitae), Labcorp
Classification: Pathogenic for Cohen syndrome. Last evaluated: 2024-11-03. Review status: criteria provided, single submitter. Criteria: Invitae Variant Classification Sherloc (09022015). Collection method: clinical testing. Allele origin: germline.
Comment: This sequence change creates a premature translational stop signal (p.Gln3453Serfs*2) in the VPS13B gene. It is expected to result in an absent or disrupted protein product. Loss-of-function variants in VPS13B are known to be pathogenic (PMID: 15141358, 16648375, 20461111). This variant is not present in population databases (gnomAD no frequency). This variant has not been reported in the literature in individuals affected with VPS13B-related conditions. For these reasons, this variant has been classified as Pathogenic.

Literature cited by the submitters: PubMed 15141358; PubMed 16648375; PubMed 20461111.

NM_152564.5(VPS13B):c.10281del (p.Gln3428fs)

Gene: VPS13B (vacuolar protein sorting 13 homolog B; plus strand). Cytogenetic location: 8q22.2.
Variant type: Deletion.
Coding change: c.10281del on transcript NM_152564.5 (MANE Select); coding-DNA position 10281, one base deleted (G; older notation c.10281delG).
Protein change: p.Gln3428fs; shifts the reading frame from glutamine 3428.
Molecular consequence: frameshift variant.
Genome position (GRCh38, 1-based): chr8:99,853,670, G deleted. VCF-style (leftmost placement, unchanged base first): chr8-99853669-TG-T. GRCh37 (hg19) VCF-style: chr8-100865897-TG-T.
Other names: c.10356del, p.Gln3453fs (NM_017890.5); short protein forms Q3428fs, Q3453fs.
Identifiers: ClinVar variation 3724534 (VCV003724534.2).